The following is an entry in ClinVar:

ClinVar aggregate classification (germline): Uncertain significance (1 of 4 stars; one submission).

Conditions:
Hereditary cancer-predisposing syndrome. Also called: Neoplastic Syndromes, Hereditary; Hereditary Cancer Syndrome; Tumor predisposition; Hereditary neoplastic syndrome. Identifiers: Orphanet 140162, MedGen C0027672, MeSH D009386, MONDO:0015356.

Submission:

Ambry Genetics
Classification: Uncertain significance for Hereditary cancer-predisposing syndrome. Last evaluated: 2024-12-15. Review status: criteria provided, single submitter. Criteria: Ambry Variant Classification Scheme 2023. Collection method: clinical testing. Allele origin: germline.
Comment: The p.P693L variant (also known as c.2078C>T), located in coding exon 13 of the SMARCA4 gene, results from a C to T substitution at nucleotide position 2078. The proline at codon 693 is replaced by leucine, an amino acid with similar properties. This amino acid position is conserved. In addition, this alteration is predicted to be deleterious by in silico analysis. Based on the available evidence, the clinical significance of this variant remains unclear.

NM_003072.5(SMARCA4):c.2078C>T (p.Pro693Leu)

Gene: SMARCA4 (SWI/SNF related BAF chromatin remodeling complex subunit ATPase 4; plus strand). Cytogenetic location: 19p13.2.
Variant type: single nucleotide variant.
Coding change: c.2078C>T on transcript NM_003072.5 (MANE Select); coding-DNA position 2078, C replaced by T.
Protein change: p.Pro693Leu; replaces proline 693 with leucine.
Molecular consequence: missense variant. On other transcripts: non-coding transcript variant (1).
Genome position (GRCh38, 1-based): chr19:11,007,978, C>T. VCF-style: chr19-11007978-C-T. GRCh37 (hg19) VCF-style: chr19-11118654-C-T.
Other names: c.2078C>T, p.Pro693Leu (NM_001128844.3, NM_001128845.2, NM_001128846.2 and 6 more transcripts); short protein forms P693L.
Identifiers: ClinVar variation 3798880 (VCV003798880.1).